The following is an entry in ClinVar:

NM_015100.4(POGZ):c.803G>T (p.Gly268Val)

Gene: POGZ (pogo transposable element derived with ZNF domain; minus strand). Cytogenetic location: 1q21.3.
Variant type: single nucleotide variant.
Coding change: c.803G>T on transcript NM_015100.4 (MANE Select); coding-DNA position 803, G replaced by T.
Protein change: p.Gly268Val; replaces glycine 268 with valine.
Molecular consequence: missense variant.
Genome position (GRCh38, 1-based): chr1:151,428,179, C>A on the plus strand (G>T on the coding strand, the complement: POGZ is on the minus strand). VCF-style: chr1-151428179-C-A. GRCh37 (hg19) VCF-style: chr1-151400655-C-A.
Other names: c.803G>T, p.Gly268Val (NM_001194937.2); c.644G>T, p.Gly215Val (NM_001194938.2, NM_207171.2); c.824G>T, p.Gly275Val (NM_001410860.1); c.518G>T, p.Gly173Val (NM_145796.4); short protein forms G173V, G215V, G268V, G275V.
Identifiers: ClinVar variation 4885218 (VCV004885218.2).

ClinVar aggregate classification (germline): Uncertain significance (1 of 4 stars; one submission).

gnomAD v4.1: 2 of 1,614,144 alleles (0.00012%); highest among the groups gnomAD compares: Non-Finnish European, 0.00017%; no homozygotes.

Submission:

Dasa
Classification: Uncertain significance. Last evaluated: 2025-06-30. Review status: criteria provided, single submitter. Criteria: DASA Assertion Criteria. Collection method: clinical testing. Allele origin: germline.
Comment: NM_015100.4(POGZ):c.803G>T (p.Gly268Val) is a missense variant that results in the substitution of glycine with valine. This variant is rare in population databases. Computational prediction algorithms are consistent with a benign effect. The currently available literature and clinical evidence are not sufficient to establish a definitive association between this variant and the reported condition. Therefore, this variant is classified as a variant of uncertain significance.